The following is an entry in ClinVar:

ClinVar aggregate classification (germline): Uncertain significance (1 of 4 stars; one submission).

gnomAD v4.1: 1 of 1,614,026 alleles (0.000062%); highest among the groups gnomAD compares: South Asian, 0.0011%; no homozygotes.

Submission:

Labcorp Genetics (formerly Invitae), Labcorp
Classification: Uncertain significance. Last evaluated: 2025-02-07. Review status: criteria provided, single submitter. Criteria: Invitae Variant Classification Sherloc (09022015). Collection method: clinical testing. Allele origin: germline.
Comment: This sequence change replaces isoleucine, which is neutral and non-polar, with valine, which is neutral and non-polar, at codon 561 of the MYLK3 protein (p.Ile561Val). This variant is present in population databases (no rsID available, gnomAD 0.003%). This variant has not been reported in the literature in individuals affected with MYLK3-related conditions. An algorithm developed to predict the effect of missense changes on protein structure and function outputs the following: PolyPhen-2: "Benign". The valine amino acid residue is found in multiple mammalian species, which suggests that this missense change does not adversely affect protein function. In summary, the available evidence is currently insufficient to determine the role of this variant in disease. Therefore, it has been classified as a Variant of Uncertain Significance.

NM_182493.3(MYLK3):c.1681A>G (p.Ile561Val)

Gene: MYLK3 (myosin light chain kinase 3; minus strand). Cytogenetic location: 16q11.2.
Variant type: single nucleotide variant.
Coding change: c.1681A>G on transcript NM_182493.3 (MANE Select); coding-DNA position 1681, A replaced by G.
Protein change: p.Ile561Val; replaces isoleucine 561 with valine.
Molecular consequence: missense variant.
Genome position (GRCh38, 1-based): chr16:46,729,115, T>C on the plus strand (A>G on the coding strand, the complement: MYLK3 is on the minus strand). VCF-style: chr16-46729115-T-C. GRCh37 (hg19) VCF-style: chr16-46763027-T-C.
Other names: c.658A>G, p.Ile220Val (NM_001308301.1); short protein forms I561V, I220V.
Identifiers: ClinVar variation 4692292 (VCV004692292.1).